The following is an entry in ClinVar:

NM_052947.4(ALPK2):c.658T>G (p.Ser220Ala)

Gene: ALPK2 (alpha kinase 2; minus strand). Cytogenetic location: 18q21.31.
Variant type: single nucleotide variant.
Coding change: c.658T>G on transcript NM_052947.4 (MANE Select); coding-DNA position 658, T replaced by G.
Protein change: p.Ser220Ala; replaces serine 220 with alanine.
Molecular consequence: missense variant.
Genome position (GRCh38, 1-based): chr18:58,580,118, A>C on the plus strand (T>G on the coding strand, the complement: ALPK2 is on the minus strand). VCF-style: chr18-58580118-A-C. GRCh37 (hg19) VCF-style: chr18-56247350-A-C.
Other names: short protein forms S220A.
Identifiers: ClinVar variation 1754354 (VCV001754354.2), dbSNP rs2518899995, ClinGen allele CA402567501.

ClinVar aggregate classification (germline): Uncertain significance (1 of 4 stars; one submission).

Allele frequency attached by ClinVar (database versions not stated): gnomAD exomes below 0.00001.
gnomAD v4.1: 1 of 1,614,206 alleles (0.000062%); highest among the groups gnomAD compares: Non-Finnish European, 0.000085%; no homozygotes.

Submission:

Ambry Genetics
Classification: Uncertain significance. Last evaluated: 2024-02-05. Review status: criteria provided, single submitter. Criteria: Ambry Variant Classification Scheme 2023. Collection method: clinical testing. Allele origin: germline.
Comment: The p.S220A variant (also known as c.658T>G), located in coding exon 3 of the ALPK2 gene, results from a T to G substitution at nucleotide position 658. The serine at codon 220 is replaced by alanine, an amino acid with similar properties. This amino acid position is conserved. In addition, this alteration is predicted to be tolerated by in silico analysis. Since supporting evidence is limited at this time, the clinical significance of this alteration remains unclear.